The following is an entry in ClinVar:

ClinVar aggregate classification (germline): Uncertain significance (1 of 4 stars; one submission).

Submission:

Labcorp Genetics (formerly Invitae), Labcorp
Classification: Uncertain significance. Last evaluated: 2022-08-03. Review status: criteria provided, single submitter. Criteria: Invitae Variant Classification Sherloc (09022015). Collection method: clinical testing. Allele origin: germline.
Comment: In summary, the available evidence is currently insufficient to determine the role of this variant in disease. Therefore, it has been classified as a Variant of Uncertain Significance. Algorithms developed to predict the effect of missense changes on protein structure and function are either unavailable or do not agree on the potential impact of this missense change (SIFT: "Deleterious"; PolyPhen-2: "Possibly Damaging"; Align-GVGD: "Class C0"). This variant has not been reported in the literature in individuals affected with ADGRV1-related conditions. This variant is not present in population databases (gnomAD no frequency). This sequence change replaces asparagine, which is neutral and polar, with aspartic acid, which is acidic and polar, at codon 5759 of the ADGRV1 protein (p.Asn5759Asp).

NM_032119.4(ADGRV1):c.17275A>G (p.Asn5759Asp)

Gene: ADGRV1 (adhesion G protein-coupled receptor V1; plus strand). Cytogenetic location: 5q14.3.
Variant type: single nucleotide variant.
Coding change: c.17275A>G on transcript NM_032119.4 (MANE Select); coding-DNA position 17275, A replaced by G.
Protein change: p.Asn5759Asp; replaces asparagine 5759 with aspartic acid.
Molecular consequence: missense variant. On other transcripts: non-coding transcript variant (1).
Genome position (GRCh38, 1-based): chr5:90,853,354, A>G. VCF-style: chr5-90853354-A-G. GRCh37 (hg19) VCF-style: chr5-90149171-A-G.
Other names: short protein forms N5759D.
Identifiers: ClinVar variation 1984267 (VCV001984267.4), dbSNP rs766753505, ClinGen allele CA122809765.